The following is an entry in ClinVar:

ClinVar aggregate classification (germline): Likely benign. Review status: criteria provided, multiple submitters, no conflicts (2 of 4 stars). 2 submissions from 2 submitters: Likely benign (2). Last evaluated 2018-06-14.

Allele frequency attached by ClinVar (database versions not stated): 1000 Genomes Project 30x 0.00937; 1000 Genomes Project 0.00998; gnomAD 0.01540 and 0.01568; ESP Exome Variant Server 0.01653; TOPMed 0.01659; gnomAD exomes 0.01771 and 0.01903; ExAC 0.02162.
gnomAD v4.1: 29,853 of 1,591,122 alleles (1.9%); highest among the groups gnomAD compares: Middle Eastern, 4.9%; 376 homozygotes.

Submissions (2):

GeneDx
Classification: Likely benign. Last evaluated: 2018-06-14. Review status: criteria provided, single submitter. Criteria: GeneDx Variant Classification (06012015). Collection method: clinical testing. Allele origin: germline. Affected: yes.
Comment: This variant is considered likely benign or benign based on one or more of the following criteria: it is a conservative change, it occurs at a poorly conserved position in the protein, it is predicted to be benign by multiple in silico algorithms, and/or has population frequency not consistent with disease.

Breakthrough Genomics
Classification: Likely benign. Review status: criteria provided, single submitter. Criteria: ACMG Guidelines, 2015. Collection method: not provided. Allele origin: germline. Inheritance: Autosomal recessive inheritance. Affected: yes.

NM_015346.4(ZFYVE26):c.4570-27T>C

Gene: ZFYVE26 (zinc finger FYVE-type containing 26; minus strand). Cytogenetic location: 14q24.1.
Variant type: single nucleotide variant.
Coding change: c.4570-27T>C on transcript NM_015346.4 (MANE Select); 27 bases into the intron before coding-DNA position 4570, T replaced by C.
Molecular consequence: intron variant.
Genome position (GRCh38, 1-based): chr14:67,780,372, A>G on the plus strand (T>C on the coding strand, the complement: ZFYVE26 is on the minus strand). VCF-style: chr14-67780372-A-G. GRCh37 (hg19) VCF-style: chr14-68247089-A-G.
Identifiers: ClinVar variation 678998 (VCV000678998.2), dbSNP rs45478592, ClinGen allele CA7239726.